The following is an entry in ClinVar:

ClinVar aggregate classification (germline): Uncertain significance (1 of 4 stars; one submission).

Conditions:
Developmental and epileptic encephalopathy 94 (DEE94). Also called: Epileptic encephalopathy, childhood-onset; CHD2-Related Neurodevelopmental Disorders. Identifiers: Orphanet 1942, Orphanet 2382, MedGen C3809278, MONDO:0014150, OMIM 615369.

Submission:

Institute of Human Genetics, University of Leipzig Medical Center
Classification: Uncertain significance for Developmental and epileptic encephalopathy 94. Last evaluated: 2024-08-28. Review status: criteria provided, single submitter. Criteria: ACMG Guidelines, 2015. Collection method: clinical testing. Allele origin: unknown. Affected: yes.
Comment: Criteria applied: PM4, PM2

NM_001271.4(CHD2):c.3696_3886-11del

Gene: CHD2 (chromodomain helicase DNA binding protein 2; plus strand). Cytogenetic location: 15q26.1.
Variant type: Deletion.
Coding change: c.3696_3886-11del on transcript NM_001271.4 (MANE Select); coding-DNA position 3696 through 11 bases into the intron before coding-DNA position 3886, 1,432 bases deleted.
Molecular consequence: splice acceptor variant, splice donor variant.
Genome position (GRCh38, 1-based): chr15:92,997,057-92,998,488, 1,432 bases deleted. GRCh37 (hg19): chr15:93,540,287-93,541,718.
Identifiers: ClinVar variation 3359094 (VCV003359094.2).